The following is an entry in ClinVar:

ClinVar aggregate classification (germline): Uncertain significance. Review status: criteria provided, multiple submitters, no conflicts (2 of 4 stars). 2 submissions from 2 submitters: Uncertain significance (2). Last evaluated 2024-07-27.

Conditions:
Hereditary cancer-predisposing syndrome. Also called: Neoplastic Syndromes, Hereditary; Tumor predisposition; Hereditary neoplastic syndrome; Hereditary Cancer Syndrome. Identifiers: Orphanet 140162, MedGen C0027672, MeSH D009386, MONDO:0015356.
Pheochromocytoma. Also called: MAX-Related Hereditary Paraganglioma-Pheochromocytoma Syndrome. Identifiers: Orphanet 29072, MedGen C0031511, MONDO:0008233, OMIM 171300, HP:0002666.
Paragangliomas with sensorineural hearing loss. Identifiers: MedGen C1868633.
Cowden syndrome 3 (CWS3). Identifiers: Orphanet 201, MedGen CN166604, MONDO:0014045.
Carney-Stratakis syndrome. Also called: PARAGANGLIOMA AND GASTROINTESTINAL STROMAL TUMOR. Identifiers: Orphanet 97286, MedGen C1847319, MONDO:0011740, OMIM 606864.

Submissions (2):

Ambry Genetics
Classification: Uncertain significance for Hereditary cancer-predisposing syndrome. Last evaluated: 2024-07-27. Review status: criteria provided, single submitter. Criteria: Ambry Variant Classification Scheme 2023. Collection method: clinical testing. Allele origin: germline.
Comment: The p.K125R variant (also known as c.374A>G), located in coding exon 4 of the SDHD gene, results from an A to G substitution at nucleotide position 374. The lysine at codon 125 is replaced by arginine, an amino acid with highly similar properties. This amino acid position is conserved. In addition, the in silico prediction for this alteration is inconclusive. Since supporting evidence is limited at this time, the clinical significance of this alteration remains unclear.

Labcorp Genetics (formerly Invitae), Labcorp
Classification: Uncertain significance for Carney-Stratakis syndrome; Paragangliomas with sensorineural hearing loss; Pheochromocytoma; Cowden syndrome 3. Last evaluated: 2024-06-25. Review status: criteria provided, single submitter. Criteria: Invitae Variant Classification Sherloc (09022015). Collection method: clinical testing. Allele origin: germline.
Comment: This sequence change replaces lysine, which is basic and polar, with arginine, which is basic and polar, at codon 125 of the SDHD protein (p.Lys125Arg). This variant is not present in population databases (gnomAD no frequency). This variant has not been reported in the literature in individuals affected with SDHD-related conditions. ClinVar contains an entry for this variant (Variation ID: 662467). Advanced modeling of protein sequence and biophysical properties (such as structural, functional, and spatial information, amino acid conservation, physicochemical variation, residue mobility, and thermodynamic stability) has been performed at Invitae for this missense variant, however the output from this modeling did not meet the statistical confidence thresholds required to predict the impact of this variant on SDHD protein function. In summary, the available evidence is currently insufficient to determine the role of this variant in disease. Therefore, it has been classified as a Variant of Uncertain Significance.

NM_003002.4(SDHD):c.374A>G (p.Lys125Arg)

Gene: SDHD (succinate dehydrogenase complex subunit D; plus strand). Cytogenetic location: 11q23.1.
Variant type: single nucleotide variant.
Coding change: c.374A>G on transcript NM_003002.4 (MANE Select); coding-DNA position 374, A replaced by G.
Protein change: p.Lys125Arg; replaces lysine 125 with arginine.
Molecular consequence: missense variant. On other transcripts: 3 prime UTR variant (1), non-coding transcript variant (1).
Genome position (GRCh38, 1-based): chr11:112,094,864, A>G. VCF-style: chr11-112094864-A-G. GRCh37 (hg19) VCF-style: chr11-111965588-A-G.
Other names: c.229A>G, p.Arg77Gly (NM_001276503.2); c.257A>G, p.Lys86Arg (NM_001276504.2); c.*72A>G (NM_001276506.2); short protein forms K86R, K125R, R77G.
Identifiers: ClinVar variation 662467 (VCV000662467.12), dbSNP rs1592786256, ClinGen allele CA382619046.